The following is an entry in ClinVar:

NM_000384.3(APOB):c.11658C>T (p.Arg3886=)

Gene: APOB (apolipoprotein B; minus strand). Cytogenetic location: 2p24.1.
Variant type: single nucleotide variant.
Coding change: c.11658C>T on transcript NM_000384.3 (MANE Select); coding-DNA position 11658, C replaced by T.
Protein change: p.Arg3886=; no amino-acid change (arginine 3886 retained).
Molecular consequence: synonymous variant.
Genome position (GRCh38, 1-based): chr2:21,005,210, G>A on the plus strand (C>T on the coding strand, the complement: APOB is on the minus strand). VCF-style: chr2-21005210-G-A. GRCh37 (hg19) VCF-style: chr2-21228082-G-A.
Identifiers: ClinVar variation 627774 (VCV000627774.17), dbSNP rs757728731, ClinGen allele CA047084.
Genomic context (GRCh38, chr2:21,005,210, plus strand): 5'-TGCTTTGTTTTTCAAACTGGCACTCCAAGTGGCATTATACACGGGAGAGTCTACCTCAAA[G>A]CGTGCAGTCAGTGCTTGAAAGGAAGGAATGACAATTCCAGCAGGTACAGAGAACTTAATG-3'
Protein context (NP_000375.3, residues 3876-3896): VIPSFQALTA[Arg3886=]FEVDSPVYNA

ClinVar aggregate classification (germline): Likely benign. Review status: criteria provided, multiple submitters, no conflicts (2 of 4 stars). 4 submissions from 4 submitters: Likely benign (4). Last evaluated 2025-11-12.

Conditions:
Familial hypercholesterolemia. Also called: Familial hypercholesterolemias; Familial hypercholesterolaemia. Identifiers: MedGen C0020445, MONDO:0005439.
Hypercholesterolemia, autosomal dominant, type B (FHCL2). Also called: APOB-Related Familial Hypercholesterolemia, Autosomal Dominant; Hyperlipoproteinemia Type IIb; Familial Hypercholesterolemia Type B; APOLIPOPROTEIN B-100, FAMILIAL DEFECTIVE; APOLIPOPROTEIN B-100, FAMILIAL LIGAND-DEFECTIVE; Familial hypercholesterolemia 2. Identifiers: MedGen C1704417, MONDO:0007751, OMIM 144010.
Familial hypobetalipoproteinemia 1. Also called: APOB-Related Familial Hypobetalipoproteinemia; Hypobetalipoproteinemia, normotriglyceridemic; Acanthocytosis with hypobetalipoproteinemia. Identifiers: MedGen C4551990, MONDO:0014252, OMIM 615558.
Cardiovascular phenotype. Identifiers: MedGen CN230736.

Allele frequency attached by ClinVar (database versions not stated): gnomAD exomes 0.00003 and 0.00006; gnomAD 0.00008 and 0.00009; TOPMed 0.00008; ExAC 0.00003.

Submissions (4):

Labcorp Genetics (formerly Invitae), Labcorp
Classification: Likely benign for Familial hypobetalipoproteinemia 1; Hypercholesterolemia, autosomal dominant, type B. Last evaluated: 2025-11-12. Review status: criteria provided, single submitter. Criteria: Invitae Variant Classification Sherloc (09022015). Collection method: clinical testing. Allele origin: germline.

Quest Diagnostics Nichols Institute San Juan Capistrano
Classification: Likely benign. Last evaluated: 2025-06-02. Review status: criteria provided, single submitter. Criteria: Quest Diagnostics criteria. Collection method: clinical testing. Allele origin: unknown.

GENinCode PLC
Classification: Likely benign for Familial hypercholesterolemia. Last evaluated: 2025-01-09. Review status: criteria provided, single submitter. Criteria: ACMG Guidelines, 2015. Collection method: clinical testing. Allele origin: germline.
Comment: This is a synonymous (silent) variant that is not predicted to impact splicing and occurs at a nucleotide which is not highly conserved. This variant has been classified as Likely Benign (BP4, BP7).

Ambry Genetics
Classification: Likely benign for Cardiovascular phenotype. Last evaluated: 2016-05-14. Review status: criteria provided, single submitter. Criteria: Ambry Variant Classification Scheme 2023. Collection method: clinical testing. Allele origin: germline.